The following is an entry in ClinVar:

ClinVar aggregate classification (germline): Uncertain significance (1 of 4 stars; one submission).

Conditions:
Charcot-Marie-Tooth disease type 4. Also called: Charcot-Marie-Tooth disease, type IV; Charcot-Marie-Tooth, Type 4. Identifiers: Orphanet 64749, MedGen C4082197, MONDO:0018995.

Submission:

Labcorp Genetics (formerly Invitae), Labcorp
Classification: Uncertain significance for Charcot-Marie-Tooth disease type 4. Last evaluated: 2022-08-12. Review status: criteria provided, single submitter. Criteria: Invitae Variant Classification Sherloc (09022015). Collection method: clinical testing. Allele origin: germline.
Comment: This variant is not present in population databases (gnomAD no frequency). This sequence change replaces aspartic acid, which is acidic and polar, with glutamic acid, which is acidic and polar, at codon 869 of the FIG4 protein (p.Asp869Glu). This variant has not been reported in the literature in individuals affected with FIG4-related conditions. In summary, the available evidence is currently insufficient to determine the role of this variant in disease. Therefore, it has been classified as a Variant of Uncertain Significance. Algorithms developed to predict the effect of missense changes on protein structure and function (SIFT, PolyPhen-2, Align-GVGD) all suggest that this variant is likely to be tolerated.

NM_014845.6(FIG4):c.2607C>G (p.Asp869Glu)

Gene: FIG4 (FIG4 phosphoinositide 5-phosphatase; plus strand). Cytogenetic location: 6q21.
Variant type: single nucleotide variant.
Coding change: c.2607C>G on transcript NM_014845.6 (MANE Select); coding-DNA position 2607, C replaced by G.
Protein change: p.Asp869Glu; replaces aspartic acid 869 with glutamic acid.
Molecular consequence: missense variant.
Genome position (GRCh38, 1-based): chr6:109,825,148, C>G. VCF-style: chr6-109825148-C-G. GRCh37 (hg19) VCF-style: chr6-110146351-C-G.
Other names: short protein forms D869E.
Identifiers: ClinVar variation 2151465 (VCV002151465.4), dbSNP rs2486296495, ClinGen allele CA365224895.